The following is an entry in ClinVar:

ClinVar aggregate classification (germline): Uncertain significance (1 of 4 stars; one submission).

Allele frequency attached by ClinVar (database versions not stated): gnomAD exomes below 0.00001; gnomAD 0.00001.
gnomAD v4.1: 5 of 1,612,408 alleles (0.00031%); highest among the groups gnomAD compares: Non-Finnish European, 0.00042%; no homozygotes.

Submission:

Labcorp Genetics (formerly Invitae), Labcorp
Classification: Uncertain significance. Last evaluated: 2022-05-19. Review status: criteria provided, single submitter. Criteria: Invitae Variant Classification Sherloc (09022015). Collection method: clinical testing. Allele origin: germline.
Comment: This sequence change replaces valine, which is neutral and non-polar, with isoleucine, which is neutral and non-polar, at codon 207 of the TTLL5 protein (p.Val207Ile). This variant is present in population databases (no rsID available, gnomAD 0.002%). This variant has not been reported in the literature in individuals affected with TTLL5-related conditions. Algorithms developed to predict the effect of missense changes on protein structure and function are either unavailable or do not agree on the potential impact of this missense change (SIFT: "Deleterious"; PolyPhen-2: "Benign"; Align-GVGD: "Class C25"). In summary, the available evidence is currently insufficient to determine the role of this variant in disease. Therefore, it has been classified as a Variant of Uncertain Significance.

NM_015072.5(TTLL5):c.619G>A (p.Val207Ile)

Gene: TTLL5 (tubulin tyrosine ligase like 5; plus strand). Cytogenetic location: 14q24.3.
Variant type: single nucleotide variant.
Coding change: c.619G>A on transcript NM_015072.5 (MANE Select); coding-DNA position 619, G replaced by A.
Protein change: p.Val207Ile; replaces valine 207 with isoleucine.
Molecular consequence: missense variant.
Genome position (GRCh38, 1-based): chr14:75,707,051, G>A. VCF-style: chr14-75707051-G-A. GRCh37 (hg19) VCF-style: chr14-76173394-G-A.
Other names: short protein forms V207I.
Identifiers: ClinVar variation 1996348 (VCV001996348.4), dbSNP rs1448422349, ClinGen allele CA390456655.
Genomic context (GRCh38, chr14:75,707,051, plus strand): 5'-CTTTCATTCTTTCTCTTTACTCAATAGCCAAACCAGATCTCCCTGGAAGAGAACATTTTG[G>A]TCTCCCGTTACATTAACAACCCCCTGCTCATAGATGGTGAGTTGTGATTAGGCCCTTGAC-3'
Protein context (NP_055887.3, residues 197-217): NQISLEENIL[Val207Ile]SRYINNPLLI